The following is an entry in ClinVar:

ClinVar aggregate classification (germline): Uncertain significance (1 of 4 stars; one submission).

Submission:

GeneDx
Classification: Uncertain significance. Last evaluated: 2017-07-20. Review status: criteria provided, single submitter. Criteria: GeneDx Variant Classification (06012015). Collection method: clinical testing. Allele origin: germline. Affected: yes.
Comment: The H273N variant in the AGTR2 gene has not been reported previously as a pathogenic variant, nor as a benign variant, to our knowledge. This variant is not observed in large population cohorts (Lek et al., 2016; 1000 Genomes Consortium et al., 2015; Exome Variant Server). The H273N variant is a semi-conservative amino acid substitution, which may impact secondary protein structure as these residues differ in some properties. This substitution occurs at a position that is conserved in mammals. In silico analysis predicts this variant is probably damaging to the protein structure/function. Based on currently available evidence, we interpret H273N as a variant of uncertain significance.

NM_000686.5(AGTR2):c.817C>A (p.His273Asn)

Gene: AGTR2 (angiotensin II receptor type 2; plus strand). Cytogenetic location: Xq23.
Variant type: single nucleotide variant.
Coding change: c.817C>A on transcript NM_000686.5 (MANE Select); coding-DNA position 817, C replaced by A.
Protein change: p.His273Asn; replaces histidine 273 with asparagine.
Molecular consequence: missense variant.
Genome position (GRCh38, 1-based): chrX:116,173,097, C>A. VCF-style: chrX-116173097-C-A. GRCh37 (hg19) VCF-style: chrX-115304350-C-A.
Other names: short protein forms H273N.
Identifiers: ClinVar variation 450737 (VCV000450737.2), dbSNP rs1556673813, ClinGen allele CA414339193.